The following is an entry in ClinVar:

NM_015692.5(CPAMD8):c.2385G>T (p.Glu795Asp)

Gene: CPAMD8 (C3 and PZP like alpha-2-macroglobulin domain containing 8; minus strand). Cytogenetic location: 19p13.11.
Variant type: single nucleotide variant.
Coding change: c.2385G>T on transcript NM_015692.5 (MANE Select); coding-DNA position 2385, G replaced by T.
Protein change: p.Glu795Asp; replaces glutamic acid 795 with aspartic acid.
Molecular consequence: missense variant.
Genome position (GRCh38, 1-based): chr19:16,952,092, C>A on the plus strand (G>T on the coding strand, the complement: CPAMD8 is on the minus strand). VCF-style: chr19-16952092-C-A. GRCh37 (hg19) VCF-style: chr19-17062902-C-A.
Other names: short protein forms E795D.
Identifiers: ClinVar variation 1955043 (VCV001955043.5), dbSNP rs199530207, ClinGen allele CA404650644.
Genomic context (GRCh38, chr19:16,952,092, plus strand): 5'-GATGAGAGCGGGGAGCATGAAGTCCACGAAGAAGGGCTTGAAGGTCTTCAGCAGGGAGGG[C>A]TCGGCGATGCCTAAGCCCTGAGAGGTGGACAGGGCCACGGCCTCACCCACCCAGCTGGTG-3'
Protein context (NP_056507.3, residues 785-805): LSTSQGLGIA[Glu795Asp]PSLLKTFKPF

ClinVar aggregate classification (germline): Uncertain significance (1 of 4 stars; one submission).

gnomAD v4.1: 6 of 1,558,870 alleles (0.00038%); highest among the groups gnomAD compares: Non-Finnish European, 0.00052%; no homozygotes.

Submission:

Labcorp Genetics (formerly Invitae), Labcorp
Classification: Uncertain significance. Last evaluated: 2022-03-20. Review status: criteria provided, single submitter. Criteria: Invitae Variant Classification Sherloc (09022015). Collection method: clinical testing. Allele origin: germline.
Comment: Algorithms developed to predict the effect of missense changes on protein structure and function (SIFT, PolyPhen-2, Align-GVGD) all suggest that this variant is likely to be tolerated. This variant has not been reported in the literature in individuals affected with CPAMD8-related conditions. This variant is not present in population databases (gnomAD no frequency). This sequence change replaces glutamic acid, which is acidic and polar, with aspartic acid, which is acidic and polar, at codon 842 of the CPAMD8 protein (p.Glu842Asp). In summary, the available evidence is currently insufficient to determine the role of this variant in disease. Therefore, it has been classified as a Variant of Uncertain Significance.